The following is an entry in ClinVar:

ClinVar aggregate classification (germline): Uncertain significance (1 of 4 stars; one submission).

Conditions:
Brugada syndrome 8 (BRGDA8). Identifiers: Orphanet 130, MedGen C2751083, MONDO:0013148, OMIM 613123.

Allele frequency attached by ClinVar (database versions not stated): gnomAD 0.00001; gnomAD exomes below 0.00001.
gnomAD v4.1: 3 of 1,608,434 alleles (0.00019%); highest among the groups gnomAD compares: Admixed American, 0.0017%; no homozygotes.

Submission:

Labcorp Genetics (formerly Invitae), Labcorp
Classification: Uncertain significance for Brugada syndrome 8. Last evaluated: 2025-12-03. Review status: criteria provided, single submitter. Criteria: Invitae Variant Classification Sherloc (09022015). Collection method: clinical testing. Allele origin: germline.
Comment: This sequence change replaces proline, which is neutral and non-polar, with serine, which is neutral and polar, at codon 1146 of the HCN4 protein (p.Pro1146Ser). This variant is not present in population databases (gnomAD no frequency). This variant has not been reported in the literature in individuals affected with HCN4-related conditions. ClinVar contains an entry for this variant (Variation ID: 2918486). Invitae Evidence Modeling of protein sequence and biophysical properties (such as structural, functional, and spatial information, amino acid conservation, physicochemical variation, residue mobility, and thermodynamic stability) indicates that this missense variant is not expected to disrupt HCN4 protein function with a negative predictive value of 95%. In summary, the available evidence is currently insufficient to determine the role of this variant in disease. Therefore, it has been classified as a Variant of Uncertain Significance.

NM_005477.3(HCN4):c.3436C>T (p.Pro1146Ser)

Gene: HCN4 (hyperpolarization activated cyclic nucleotide gated potassium channel 4; minus strand). Cytogenetic location: 15q24.1.
Variant type: single nucleotide variant.
Coding change: c.3436C>T on transcript NM_005477.3 (MANE Select); coding-DNA position 3436, C replaced by T.
Protein change: p.Pro1146Ser; replaces proline 1146 with serine.
Molecular consequence: missense variant.
Genome position (GRCh38, 1-based): chr15:73,322,657, G>A on the plus strand (C>T on the coding strand, the complement: HCN4 is on the minus strand). VCF-style: chr15-73322657-G-A. GRCh37 (hg19) VCF-style: chr15-73614998-G-A.
Other names: short protein forms P1146S.
Identifiers: ClinVar variation 2918486 (VCV002918486.3), dbSNP rs1567766661, ClinGen allele CA393085317.